The following is an entry in ClinVar:

ClinVar aggregate classification (germline): Uncertain significance (1 of 4 stars; one submission).

Submission:

Women's Health and Genetics/Laboratory Corporation of America, LabCorp
Classification: Uncertain significance. Last evaluated: 2024-10-07. Review status: criteria provided, single submitter. Criteria: LabCorp Variant Classification Summary - May 2015. Collection method: clinical testing. Allele origin: germline.
Comment: Variant summary: LBR c.173C>T (p.Thr58Ile) results in a non-conservative amino acid change located in the Tudor domain (IPR002999) of the encoded protein sequence. Four of five in-silico tools predict a benign effect of the variant on protein function. The variant allele was found at a frequency of 2.5e-06 in 1606614 control chromosomes in the gnomAD database (v4.1 dataset). The available data on variant occurrences in the general population are insufficient to allow any conclusion about variant significance. To our knowledge, no occurrence of c.173C>T in individuals affected with LBR-Related Disorders and no experimental evidence demonstrating its impact on protein function have been reported. No submitters have cited clinical-significance assessments for this variant to ClinVar. Based on the evidence outlined above, the variant was classified as uncertain significance.

NM_002296.4(LBR):c.173C>T (p.Thr58Ile)

Gene: LBR (lamin B receptor; minus strand). Cytogenetic location: 1q42.12.
Variant type: single nucleotide variant.
Coding change: c.173C>T on transcript NM_002296.4 (MANE Select); coding-DNA position 173, C replaced by T.
Protein change: p.Thr58Ile; replaces threonine 58 with isoleucine.
Molecular consequence: missense variant.
Genome position (GRCh38, 1-based): chr1:225,422,270, G>A on the plus strand (C>T on the coding strand, the complement: LBR is on the minus strand). VCF-style: chr1-225422270-G-A. GRCh37 (hg19) VCF-style: chr1-225609972-G-A.
Other names: c.173C>T, p.Thr58Ile (NM_194442.3); short protein forms T58I.
Identifiers: ClinVar variation 3384909 (VCV003384909.1).
Genomic context (GRCh38, chr1:225,422,270, plus strand): 5'-CTCCCTCGGCGTCTGGAAGGGGAACTGGAAGTTGAGCCACCTTTCCTTTGCCTAAAGGAA[G>A]TTAAAGGCTAGAAAGGGGGAAGAAGGCAAAGAGCTTTACCACAAATCATAACACATACAG-3'
Protein context (NP_002287.2, residues 48-68): ELKENDIKPL[Thr58Ile]SFRQRKGGST